The following is an entry in ClinVar:

NM_001382391.1(CSPP1):c.2906C>G (p.Pro969Arg)

Gene: CSPP1 (centrosome and spindle pole associated protein 1; plus strand). Cytogenetic location: 8q13.2.
Variant type: single nucleotide variant.
Coding change: c.2906C>G on transcript NM_001382391.1 (MANE Select); coding-DNA position 2906, C replaced by G.
Protein change: p.Pro969Arg; replaces proline 969 with arginine.
Molecular consequence: missense variant.
Genome position (GRCh38, 1-based): chr8:67,172,493, C>G. VCF-style: chr8-67172493-C-G. GRCh37 (hg19) VCF-style: chr8-68084728-C-G.
Other names: c.1856C>G, p.Pro619Arg (NM_001291339.2); c.2825C>G, p.Pro942Arg (NM_001363131.2); c.2711C>G, p.Pro904Arg (NM_001363132.2); c.2630C>G, p.Pro877Arg (NM_001363133.2); c.2972C>G, p.Pro991Arg (NM_001364869.1); c.2792C>G, p.Pro931Arg (NM_001364870.1); c.2891C>G, p.Pro964Arg (NM_024790.7); short protein forms P931R, P964R, P619R, P877R, P969R, P991R, P904R, P942R.
Identifiers: ClinVar variation 1519025 (VCV001519025.8), dbSNP rs1480057271, ClinGen allele CA371195602.

ClinVar aggregate classification (germline): Uncertain significance (1 of 4 stars; one submission).

Conditions:
Joubert syndrome 21 (JBTS21). Identifiers: MedGen C3810212, MONDO:0014288, OMIM 615636.

Submission:

Labcorp Genetics (formerly Invitae), Labcorp
Classification: Uncertain significance for Joubert syndrome 21. Last evaluated: 2022-06-20. Review status: criteria provided, single submitter. Criteria: Invitae Variant Classification Sherloc (09022015). Collection method: clinical testing. Allele origin: germline.
Comment: This variant has not been reported in the literature in individuals affected with CSPP1-related conditions. This variant is not present in population databases (gnomAD no frequency). This sequence change replaces proline, which is neutral and non-polar, with arginine, which is basic and polar, at codon 964 of the CSPP1 protein (p.Pro964Arg). Algorithms developed to predict the effect of sequence changes on RNA splicing suggest that this variant may create or strengthen a splice site. In summary, the available evidence is currently insufficient to determine the role of this variant in disease. Therefore, it has been classified as a Variant of Uncertain Significance. Algorithms developed to predict the effect of missense changes on protein structure and function are either unavailable or do not agree on the potential impact of this missense change (SIFT: "Tolerated"; PolyPhen-2: "Probably Damaging"; Align-GVGD: "Class C0").